The following is an entry in ClinVar:

NM_033026.6(PCLO):c.4158G>T (p.Lys1386Asn)

Gene: PCLO (piccolo presynaptic cytomatrix protein; minus strand). Cytogenetic location: 7q21.11.
Variant type: single nucleotide variant.
Coding change: c.4158G>T on transcript NM_033026.6 (MANE Select); coding-DNA position 4158, G replaced by T.
Protein change: p.Lys1386Asn; replaces lysine 1386 with asparagine.
Molecular consequence: missense variant.
Genome position (GRCh38, 1-based): chr7:82,956,795, C>A on the plus strand (G>T on the coding strand, the complement: PCLO is on the minus strand). VCF-style: chr7-82956795-C-A. GRCh37 (hg19) VCF-style: chr7-82586111-C-A.
Other names: c.4158G>T, p.Lys1386Asn (NM_014510.3); c.4158G>T (NM_033026.5); short protein forms K1386N.
Identifiers: ClinVar variation 1972078 (VCV001972078.3), dbSNP rs1307575112, ClinGen allele CA367928523.

ClinVar aggregate classification (germline): Uncertain significance. Review status: criteria provided, multiple submitters, no conflicts (2 of 4 stars). 2 submissions from 2 submitters: Uncertain significance (2). Last evaluated 2025-05-19.

Conditions:
Inborn genetic diseases. Identifiers: MedGen C0950123, MeSH D030342.

Allele frequency attached by ClinVar (database versions not stated): gnomAD 0.00001; TOPMed 0.00001.
gnomAD v4.1: 3 of 1,613,602 alleles (0.00019%); highest among the groups gnomAD compares: Non-Finnish European, 0.00025%; no homozygotes.

Submissions (2):

Ambry Genetics
Classification: Uncertain significance for Inborn genetic diseases. Last evaluated: 2025-05-19. Review status: criteria provided, single submitter. Criteria: Ambry Variant Classification Scheme 2023. Collection method: clinical testing. Allele origin: germline.

Labcorp Genetics (formerly Invitae), Labcorp
Classification: Uncertain significance. Last evaluated: 2022-06-19. Review status: criteria provided, single submitter. Criteria: Invitae Variant Classification Sherloc (09022015). Collection method: clinical testing. Allele origin: germline.
Comment: This sequence change replaces lysine, which is basic and polar, with asparagine, which is neutral and polar, at codon 1386 of the PCLO protein (p.Lys1386Asn). This variant is not present in population databases (gnomAD no frequency). This variant has not been reported in the literature in individuals affected with PCLO-related conditions. Algorithms developed to predict the effect of missense changes on protein structure and function are either unavailable or do not agree on the potential impact of this missense change (SIFT: "Deleterious"; PolyPhen-2: "Not Available"; Align-GVGD: "Class C0"). In summary, the available evidence is currently insufficient to determine the role of this variant in disease. Therefore, it has been classified as a Variant of Uncertain Significance.